The following is an entry in ClinVar:

NM_000051.4(ATM):c.2879_2880del (p.Pro960fs)

Gene: ATM (ATM serine/threonine kinase; plus strand). Cytogenetic location: 11q22.3.
Variant type: Deletion.
Coding change: c.2879_2880del on transcript NM_000051.4 (MANE Select); coding-DNA positions 2879 to 2880, 2 bases deleted (CC; older notation c.2879_2880delCC).
Protein change: p.Pro960fs; shifts the reading frame from proline 960.
Molecular consequence: frameshift variant.
Genome position (GRCh38, 1-based): chr11:108,271,104-108,271,105, CC deleted; deleting any 2 consecutive bases within chr11:108,271,102-108,271,105 gives the same sequence; the c. name uses the placement nearest the transcript's 3' end. VCF-style (leftmost placement, unchanged base first): chr11-108271101-ACC-A. GRCh37 (hg19) VCF-style: chr11-108141828-ACC-A.
Other names: c.2879_2880del, p.Pro960fs (NM_001351834.2); short protein forms P960fs.
Identifiers: ClinVar variation 3148359 (VCV003148359.1), dbSNP rs730881300, ClinGen allele CA2825001816.

ClinVar aggregate classification (germline): Pathogenic (1 of 4 stars; one submission).

Conditions:
Familial cancer of breast. Also called: BREAST CANCER, FAMILIAL; Hereditary breast cancer; hereditary breast carcinoma. Identifiers: Orphanet 227535, MedGen C0346153, MONDO:0016419, OMIM 114480. Disease mechanism: loss of function.

Submission:

Myriad Genetics, Inc.
Classification: Pathogenic for Familial cancer of breast. Last evaluated: 2024-01-18. Review status: criteria provided, single submitter. Criteria: Myriad Autosomal Dominant, Autosomal Recessive and X-Linked Classification Criteria (2023). Collection method: clinical testing. Allele origin: unknown.
Comment: This variant is considered pathogenic. This variant creates a frameshift predicted to result in premature protein truncation.